The following is an entry in ClinVar:

NM_206926.2(SELENON):c.940G>T (p.Gly314Trp)

Gene: SELENON (selenoprotein N; plus strand). Cytogenetic location: 1p36.11.
Variant type: single nucleotide variant.
Coding change: c.940G>T on transcript NM_206926.2 (MANE Select); coding-DNA position 940, G replaced by T.
Protein change: p.Gly314Trp; replaces glycine 314 with tryptophan.
Molecular consequence: missense variant.
Genome position (GRCh38, 1-based): chr1:25,811,485, G>T. VCF-style: chr1-25811485-G-T. GRCh37 (hg19) VCF-style: chr1-26137976-G-T.
Other names: c.1042G>T, p.Gly348Trp (NM_020451.3); short protein forms G314W, G348W.
Identifiers: ClinVar variation 1348538 (VCV001348538.6), dbSNP rs374499583, ClinGen allele CA339116297.

ClinVar aggregate classification (germline): Uncertain significance (1 of 4 stars; one submission).

Conditions:
Eichsfeld type congenital muscular dystrophy (CMYO3). Also called: MYOPATHY, SEPN1-RELATED; SELENON-related myopathy; Congenital myopathy 3 with rigid spine; Rigid spine muscular dystrophy 1. Identifiers: MedGen C0410180, MONDO:0100100, OMIM 602771.

Submission:

Labcorp Genetics (formerly Invitae), Labcorp
Classification: Uncertain significance for Eichsfeld type congenital muscular dystrophy. Last evaluated: 2021-04-24. Review status: criteria provided, single submitter. Criteria: Invitae Variant Classification Sherloc (09022015). Collection method: clinical testing. Allele origin: germline.
Comment: In summary, the available evidence is currently insufficient to determine the role of this variant in disease. Therefore, it has been classified as a Variant of Uncertain Significance. Algorithms developed to predict the effect of missense changes on protein structure and function (SIFT, PolyPhen-2, Align-GVGD) all suggest that this variant is likely to be disruptive, but these predictions have not been confirmed by published functional studies and their clinical significance is uncertain. This variant has not been reported in the literature in individuals with SELENON-related conditions. This variant is not present in population databases (ExAC no frequency). This sequence change replaces glycine with tryptophan at codon 348 of the SELENON protein (p.Gly348Trp). The glycine residue is highly conserved and there is a large physicochemical difference between glycine and tryptophan.